The following is an entry in ClinVar:

ClinVar aggregate classification (germline): Uncertain significance. Review status: criteria provided, single submitter (1 of 4 stars). 2 submissions from 2 submitters: Uncertain significance (1). 1 of the submissions does not count toward it. Last evaluated 2021-10-18.

Conditions:
Alkaptonuria (AKU). Also called: HOMOGENTISIC ACID OXIDASE DEFICIENCY; Homogentisic acidura; Alkaptonuric ochronosis; Alcaptonuria. Identifiers: Orphanet 56, MedGen C0002066, MONDO:0008753, OMIM 203500.

Submissions (2):

Labcorp Genetics (formerly Invitae), Labcorp
Classification: Uncertain significance for Alkaptonuria. Last evaluated: 2021-10-18. Review status: criteria provided, single submitter. Criteria: Invitae Variant Classification Sherloc (09022015). Collection method: clinical testing. Allele origin: germline.
Comment: This sequence change replaces asparagine with lysine at codon 149 of the HGD protein (p.Asn149Lys). The asparagine residue is highly conserved and there is a moderate physicochemical difference between asparagine and lysine. This variant is not present in population databases (ExAC no frequency). In summary, the available evidence is currently insufficient to determine the role of this variant in disease. Therefore, it has been classified as a Variant of Uncertain Significance. Algorithms developed to predict the effect of missense changes on protein structure and function (SIFT, PolyPhen-2, Align-GVGD) all suggest that this variant is likely to be disruptive. This missense change has been observed in individual(s) with clinical features of alkaptonuria (PMID: 19862842).

Department Of Human Genetics, Institute Of Clinical And Translational Research, Biomedical Research Center, Slovak Academy Of Sciences
Classification: Pathogenic for Alkaptonuria. Review status: no assertion criteria provided. Collection method: research. Allele origin: germline. Inheritance: Autosomal recessive inheritance. Affected: yes. Observed: 1 variant allele. Not counted in ClinVar's aggregate classification.
Comment: The variant was originally described in AKU patient in PMID:19862842. It has been submitted to the HGD gene mutation database (DB-ID: AKU_00040).

Literature cited by the submitters: PubMed 19862842 (cited by Labcorp Genetics (formerly Invitae), Labcorp and Department Of Human Genetics, Institute Of Clinical And Translational Research, Biomedical Research Center, Slovak Academy Of Sciences).

NM_000187.4(HGD):c.447T>A (p.Asn149Lys)

Gene: HGD (homogentisate 1,2-dioxygenase; minus strand). Cytogenetic location: 3q13.33.
Variant type: single nucleotide variant.
Coding change: c.447T>A on transcript NM_000187.4 (MANE Select); coding-DNA position 447, T replaced by A.
Protein change: p.Asn149Lys; replaces asparagine 149 with lysine.
Molecular consequence: missense variant.
Genome position (GRCh38, 1-based): chr3:120,647,899, A>T on the plus strand (T>A on the coding strand, the complement: HGD is on the minus strand). VCF-style: chr3-120647899-A-T. GRCh37 (hg19) VCF-style: chr3-120366746-A-T.
Other names: short protein forms N149K.
Identifiers: ClinVar variation 1473489 (VCV001473489.6), dbSNP rs2107513499, ClinGen allele CA354077435.